The following is an entry in ClinVar:

ClinVar aggregate classification (germline): Uncertain significance (0 of 4 stars; one submission).

Conditions:
HUWE1-related disorder. Also called: HUWE1-related condition.

Submission:

PreventionGenetics, part of Exact Sciences
Classification: Uncertain significance for HUWE1-related condition. Last evaluated: 2024-05-02. Review status: no assertion criteria provided. Collection method: clinical testing. Allele origin: germline.
Comment: The HUWE1 c.7438G>T variant is predicted to result in the amino acid substitution p.Val2480Phe. To our knowledge, this variant has not been reported in the literature or in a large population database, indicating this variant is rare. At this time, the clinical significance of this variant is uncertain due to the absence of conclusive functional and genetic evidence.

NM_031407.7(HUWE1):c.7438G>T (p.Val2480Phe)

Genes: HUWE1 (HECT, UBA and WWE domain containing E3 ubiquitin protein ligase 1; minus strand), LOC126863262 (MED14-independent group 3 enhancer GRCh37_chrX:53588722-53589921; plus strand). Cytogenetic location: Xp11.22.
Variant type: single nucleotide variant.
Coding change: c.7438G>T on transcript NM_031407.7 (MANE Select); coding-DNA position 7438, G replaced by T.
Protein change: p.Val2480Phe; replaces valine 2480 with phenylalanine.
Molecular consequence: missense variant.
Genome position (GRCh38, 1-based): chrX:53,561,825, C>A on the plus strand (G>T on the coding strand, the complement: HUWE1 is on the minus strand). VCF-style: chrX-53561825-C-A. GRCh37 (hg19) VCF-style: chrX-53588786-C-A.
Other names: short protein forms V2480F.
Identifiers: ClinVar variation 3344270 (VCV003344270.1).